The following is an entry in ClinVar:

ClinVar aggregate classification (germline): Pathogenic (1 of 4 stars; one submission).

Conditions:
Peroxisome biogenesis disorder. Identifiers: Orphanet 79189, MedGen C1832200, MONDO:0019234. Disease mechanism: loss of function.

Submission:

Myriad Genetics, Inc.
Classification: Pathogenic for Peroxisome biogenesis disorder. Last evaluated: 2023-09-27. Review status: criteria provided, single submitter. Criteria: Myriad Autosomal Dominant, Autosomal Recessive and X-Linked Classification Criteria (2023). Collection method: clinical testing. Allele origin: unknown.
Comment: NM_153818.1(PEX10):c.31dupG(V11Gfs*40) is expected to be pathogenic in the context of peroxisome biogenesis disorder type 6. This variant is predicted to lead to an abnormal or absent protein product due to the creation of a premature termination codon in PEX10, a gene where loss-of-function variants are known to be pathogenic. Please note: this variant was assessed in the context of healthy population screening.

NM_002617.4(PEX10):c.31dup (p.Val11fs)

Gene: PEX10 (peroxisomal biogenesis factor 10; minus strand). Cytogenetic location: 1p36.32.
Variant type: Duplication.
Coding change: c.31dup on transcript NM_002617.4 (MANE Select); coding-DNA position 31, one base duplicated (G; older notation c.31dupG).
Protein change: p.Val11fs; shifts the reading frame from valine 11.
Molecular consequence: frameshift variant. On other transcripts: intron variant (2).
Genome position (GRCh38, 1-based): chr1:2,412,472, C duplicated on the plus strand (G on the coding strand, the reverse complement: PEX10 is on the minus strand); the first of 2 consecutive C bases (chr1:2,412,472-2,412,473); duplicating either gives the same sequence. VCF-style (leftmost placement, unchanged base first): chr1-2412471-A-AC. GRCh37 (hg19) VCF-style: chr1-2343910-A-AC.
Other names: c.31dup, p.Val11fs (NM_001374425.1, NM_153818.2); c.-321+1125dup (NM_001374427.1, NM_001374426.1); short protein forms V11fs.
Identifiers: ClinVar variation 5011750 (VCV005011750.1).
Genomic context (GRCh38, chr1:2,412,471, plus strand): 5'-CCGCCCGCCGCGCTCCGCAGCCCACCGCGGTAGTACTCGTCCTTCTGCGCCGCGCGGATC[A>AC]CCTCCGGGGGGCTGGCGGCGGCCGGGGCCATGGCCGCGGGTTCGGGTGGTCCCGAGCAGC-3'